The following is an entry in ClinVar:

ClinVar aggregate classification (germline): Uncertain significance (1 of 4 stars; one submission).

Conditions:
Ullrich congenital muscular dystrophy 2 (UCMD2). Identifiers: Orphanet 75840, MedGen C4225314, MONDO:0014654, OMIM 616470.
Bethlem myopathy 2 (BTHLM2). Identifiers: Orphanet 536516, Orphanet 610, MedGen C4225313, MONDO:0034022, OMIM 616471.

Allele frequency attached by ClinVar (database versions not stated): ExAC 0.00001; gnomAD 0.00001; TOPMed 0.00002.
gnomAD v4.1: 6 of 1,613,524 alleles (0.00037%); highest among the groups gnomAD compares: South Asian, 0.0022%; no homozygotes.

Submission:

Labcorp Genetics (formerly Invitae), Labcorp
Classification: Uncertain significance for Bethlem myopathy 2; Ullrich congenital muscular dystrophy 2. Last evaluated: 2023-12-02. Review status: criteria provided, single submitter. Criteria: Invitae Variant Classification Sherloc (09022015). Collection method: clinical testing. Allele origin: germline.
Comment: This sequence change replaces glutamine, which is neutral and polar, with proline, which is neutral and non-polar, at codon 2538 of the COL12A1 protein (p.Gln2538Pro). This variant is present in population databases (rs756157574, gnomAD 0.002%). This variant has not been reported in the literature in individuals affected with COL12A1-related conditions. ClinVar contains an entry for this variant (Variation ID: 2016924). Advanced modeling of protein sequence and biophysical properties (such as structural, functional, and spatial information, amino acid conservation, physicochemical variation, residue mobility, and thermodynamic stability) performed at Invitae indicates that this missense variant is not expected to disrupt COL12A1 protein function with a negative predictive value of 80%. In summary, the available evidence is currently insufficient to determine the role of this variant in disease. Therefore, it has been classified as a Variant of Uncertain Significance.

NM_004370.6(COL12A1):c.7613A>C (p.Gln2538Pro)

Gene: COL12A1 (collagen type XII alpha 1 chain; minus strand). Cytogenetic location: 6q13.
Variant type: single nucleotide variant.
Coding change: c.7613A>C on transcript NM_004370.6 (MANE Select); coding-DNA position 7613, A replaced by C.
Protein change: p.Gln2538Pro; replaces glutamine 2538 with proline.
Molecular consequence: missense variant.
Genome position (GRCh38, 1-based): chr6:75,115,868, T>G on the plus strand (A>C on the coding strand, the complement: COL12A1 is on the minus strand). VCF-style: chr6-75115868-T-G. GRCh37 (hg19) VCF-style: chr6-75825584-T-G.
Other names: c.4121A>C, p.Gln1374Pro (NM_080645.3); short protein forms Q1374P, Q2538P.
Identifiers: ClinVar variation 2016924 (VCV002016924.4), dbSNP rs756157574, ClinGen allele CA3892510.